The following is an entry in ClinVar:

ClinVar aggregate classification (germline): Likely benign. Review status: criteria provided, single submitter (1 of 4 stars). 4 submissions from 4 submitters: Likely benign (1). 3 of the submissions do not count toward it. Last evaluated 2023-09-01.

Allele frequency attached by ClinVar (database versions not stated): 1000 Genomes Project 30x 0.00016.
gnomAD v4.1: 22 of 1,614,142 alleles (0.0014%); highest among the groups gnomAD compares: Admixed American, 0.023%; no homozygotes.

Submissions (4):

CeGaT Center for Human Genetics Tuebingen
Classification: Likely benign. Last evaluated: 2023-09-01. Review status: criteria provided, single submitter. Criteria: CeGaT Center For Human Genetics Tuebingen Variant Classification Criteria Version 2. Collection method: clinical testing. Allele origin: germline. Affected: yes. Observed: 1 variant allele.
Comment: PCARE: BP4

Clinical Genetics DNA and cytogenetics Diagnostics Lab, Erasmus MC, Erasmus Medical Center
Classification: Uncertain significance. Review status: no assertion criteria provided. Collection method: clinical testing. Allele origin: germline. Affected: yes. Study: VKGL Data-share Consensus. Not counted in ClinVar's aggregate classification.

Clinical Genetics, Academic Medical Center
Classification: Uncertain significance. Review status: no assertion criteria provided. Collection method: clinical testing. Allele origin: germline. Affected: yes. Study: VKGL Data-share Consensus. Not counted in ClinVar's aggregate classification.

Joint Genome Diagnostic Labs from Nijmegen and Maastricht, Radboudumc and MUMC+
Classification: Uncertain significance. Review status: no assertion criteria provided. Collection method: clinical testing. Allele origin: germline. Affected: yes. Study: VKGL Data-share Consensus. Not counted in ClinVar's aggregate classification.

NM_001029883.3(PCARE):c.740T>A (p.Val247Asp)

Gene: PCARE (photoreceptor cilium actin regulator; minus strand). Cytogenetic location: 2p23.2.
Variant type: single nucleotide variant.
Coding change: c.740T>A on transcript NM_001029883.3 (MANE Select); coding-DNA position 740, T replaced by A.
Protein change: p.Val247Asp; replaces valine 247 with aspartic acid.
Molecular consequence: missense variant.
Genome position (GRCh38, 1-based): chr2:29,073,522, A>T on the plus strand (T>A on the coding strand, the complement: PCARE is on the minus strand). VCF-style: chr2-29073522-A-T. GRCh37 (hg19) VCF-style: chr2-29296388-A-T.
Other names: short protein forms V247D.
Identifiers: ClinVar variation 1284470 (VCV001284470.29), dbSNP rs77828062, ClinGen allele CA1592588.